The following is an entry in ClinVar:

ClinVar aggregate classification (germline): Uncertain significance (1 of 4 stars; one submission).

gnomAD v4.1: 2 of 1,612,356 alleles (0.00012%); highest among the groups gnomAD compares: Non-Finnish European, 0.00017%; no homozygotes.

Submission:

Labcorp Genetics (formerly Invitae), Labcorp
Classification: Uncertain significance. Last evaluated: 2024-04-12. Review status: criteria provided, single submitter. Criteria: Invitae Variant Classification Sherloc (09022015). Collection method: clinical testing. Allele origin: germline.
Comment: This sequence change replaces aspartic acid, which is acidic and polar, with glutamic acid, which is acidic and polar, at codon 516 of the UPF2 protein (p.Asp516Glu). This variant is not present in population databases (gnomAD no frequency). This variant has not been reported in the literature in individuals affected with UPF2-related conditions. ClinVar contains an entry for this variant (Variation ID: 1383875). An algorithm developed to predict the effect of missense changes on protein structure and function (PolyPhen-2) suggests that this variant is likely to be tolerated. In summary, the available evidence is currently insufficient to determine the role of this variant in disease. Therefore, it has been classified as a Variant of Uncertain Significance.

NM_015542.4(UPF2):c.1548T>A (p.Asp516Glu)

Gene: UPF2 (UPF2 regulator of nonsense mediated mRNA decay; minus strand). Cytogenetic location: 10p14.
Variant type: single nucleotide variant.
Coding change: c.1548T>A on transcript NM_015542.4 (MANE Select); coding-DNA position 1548, T replaced by A.
Protein change: p.Asp516Glu; replaces aspartic acid 516 with glutamic acid.
Molecular consequence: missense variant.
Genome position (GRCh38, 1-based): chr10:12,001,782, A>T on the plus strand (T>A on the coding strand, the complement: UPF2 is on the minus strand). VCF-style: chr10-12001782-A-T. GRCh37 (hg19) VCF-style: chr10-12043781-A-T.
Other names: c.1548T>A, p.Asp516Glu (NM_080599.3); short protein forms D516E.
Identifiers: ClinVar variation 1383875 (VCV001383875.6), dbSNP rs1833956669, ClinGen allele CA375996019.